The following is an entry in ClinVar:

ClinVar aggregate classification (germline): Uncertain significance (1 of 4 stars; one submission).

gnomAD v4.1: 4 of 1,611,258 alleles (0.00025%); highest among the groups gnomAD compares: Non-Finnish European, 0.00034%; no homozygotes.

Submission:

GeneDx
Classification: Uncertain significance. Last evaluated: 2025-04-22. Review status: criteria provided, single submitter. Criteria: GeneDx Variant Classification Process June 2021. Collection method: clinical testing. Allele origin: germline. Affected: yes.
Comment: Not observed at significant frequency in large population cohorts (gnomAD); In silico analysis indicates that this missense variant does not alter protein structure/function; Has not been previously published as pathogenic or benign to our knowledge

NM_001378418.1(TCF20):c.5830C>G (p.Gln1944Glu)

Gene: TCF20 (transcription factor 20; minus strand). Cytogenetic location: 22q13.2.
Variant type: single nucleotide variant.
Coding change: c.5830C>G on transcript NM_001378418.1 (MANE Select); coding-DNA position 5830, C replaced by G.
Protein change: p.Gln1944Glu; replaces glutamine 1944 with glutamic acid.
Molecular consequence: missense variant. On other transcripts: intron variant (1).
Genome position (GRCh38, 1-based): chr22:42,168,706, G>C on the plus strand (C>G on the coding strand, the complement: TCF20 is on the minus strand). VCF-style: chr22-42168706-G-C. GRCh37 (hg19) VCF-style: chr22-42564712-G-C.
Other names: c.5830C>G, p.Gln1944Glu (NM_005650.4); c.5799+1141C>G (NM_181492.3); short protein forms Q1944E.
Identifiers: ClinVar variation 4527091 (VCV004527091.1).